The following is an entry in ClinVar:

NM_032119.4(ADGRV1):c.12463C>T (p.Pro4155Ser)

Gene: ADGRV1 (adhesion G protein-coupled receptor V1; plus strand). Cytogenetic location: 5q14.3.
Variant type: single nucleotide variant.
Coding change: c.12463C>T on transcript NM_032119.4 (MANE Select); coding-DNA position 12463, C replaced by T.
Protein change: p.Pro4155Ser; replaces proline 4155 with serine.
Molecular consequence: missense variant. On other transcripts: non-coding transcript variant (1).
Genome position (GRCh38, 1-based): chr5:90,776,512, C>T. VCF-style: chr5-90776512-C-T. GRCh37 (hg19) VCF-style: chr5-90072329-C-T.
Other names: short protein forms P4155S.
Identifiers: ClinVar variation 163605 (VCV000163605.21), dbSNP rs576429729, ClinGen allele CA176231.

ClinVar aggregate classification (germline): Conflicting classifications of pathogenicity. Review status: criteria provided, conflicting classifications (1 of 4 stars). 6 submissions from 6 submitters: Uncertain significance (4); Likely benign (2). Last evaluated 2026-01-13.

Conditions:
Inborn genetic diseases. Identifiers: MedGen C0950123, MeSH D030342.

Allele frequency attached by ClinVar (database versions not stated): gnomAD 0.00004 and 0.00007; gnomAD exomes 0.00005 and 0.00014; TOPMed 0.00009; 1000 Genomes Project 30x 0.00016; ExAC 0.00016; 1000 Genomes Project 0.00020.
gnomAD v4.1: 101 of 1,613,252 alleles (0.0063%); highest among the groups gnomAD compares: East Asian, 0.1%; 2 homozygotes.

Submissions (6):

Labcorp Genetics (formerly Invitae), Labcorp
Classification: Likely benign. Last evaluated: 2026-01-13. Review status: criteria provided, single submitter. Criteria: Invitae Variant Classification Sherloc (09022015). Collection method: clinical testing. Allele origin: germline.

GeneDx
Classification: Uncertain significance. Last evaluated: 2025-06-27. Review status: criteria provided, single submitter. Criteria: GeneDx Variant Classification Process June 2021. Collection method: clinical testing. Allele origin: germline. Affected: yes.
Comment: In silico analysis suggests that this missense variant does not alter protein structure/function; Has not been previously published as pathogenic or benign to our knowledge

Blueprint Genetics
Classification: Uncertain significance. Last evaluated: 2024-05-23. Review status: criteria provided, single submitter. Criteria: ACMG Guidelines, 2015. Collection method: clinical testing. Allele origin: germline.

Ambry Genetics
Classification: Uncertain significance for Inborn genetic diseases. Last evaluated: 2022-03-11. Review status: criteria provided, single submitter. Criteria: Ambry Variant Classification Scheme 2023. Collection method: clinical testing. Allele origin: germline.

Eurofins Ntd Llc (ga)
Classification: Uncertain significance. Last evaluated: 2017-08-29. Review status: criteria provided, single submitter. Criteria: EGL Classification Definitions 2015. Collection method: clinical testing. Allele origin: germline. Observed: 1 variant allele, 1 heterozygote.

Laboratory for Molecular Medicine, Mass General Brigham Personalized Medicine
Classification: Likely benign. Last evaluated: 2017-06-26. Review status: criteria provided, single submitter. Criteria: LMM Criteria. Collection method: clinical testing. Allele origin: germline. Observed: 2 variant alleles.
Comment: p.Pro4155Ser in exon 61 of GPR98: This variant is not expected to have clinical significance due to a lack of conservation across species, including mammals. Of note, six mammals (gibbon, prairie vole, Chinese hamster, golden hamster, mouse , and rat) have a Serine (Ser) at this position despite high nearby amino acid c onservation, supporting that this change is tolerated. Other computational predi ction tools also suggest this variant may not impact the protein. It has also be en identified in 0.1% (21/18822) of East Asian chromosomes by the Genome Aggrega tion Database (gnomAD; dbSNP rs576429729).